The following is an entry in ClinVar:

NM_014956.5(CEP164):c.3707C>G (p.Ser1236Cys)

Gene: CEP164 (centrosomal protein 164; plus strand). Cytogenetic location: 11q23.3.
Variant type: single nucleotide variant.
Coding change: c.3707C>G on transcript NM_014956.5 (MANE Select); coding-DNA position 3707, C replaced by G.
Protein change: p.Ser1236Cys; replaces serine 1236 with cysteine.
Molecular consequence: missense variant.
Genome position (GRCh38, 1-based): chr11:117,408,987, C>G. VCF-style: chr11-117408987-C-G. GRCh37 (hg19) VCF-style: chr11-117279703-C-G.
Other names: c.3716C>G, p.Ser1239Cys (NM_001271933.2); short protein forms S1239C, S1236C.
Identifiers: ClinVar variation 846241 (VCV000846241.10), dbSNP rs375184395, ClinGen allele CA6295535.
Genomic context (GRCh38, chr11:117,408,987, plus strand): 5'-AGAAGGCAGTAACCTTCGACCTCAGTGACATGGACAGCCTGAGCAGTGAAAGTTCTGAAT[C>G]TTTTTCCCCGCCTCACCGTGAGTGGTGGCGGCAGCAGAGGAGTGAGTGGGGGAGATGCGG-3'
Protein context (NP_055771.4, residues 1226-1246): MDSLSSESSE[Ser1236Cys]FSPPHREWWR

ClinVar aggregate classification (germline): Uncertain significance. Review status: criteria provided, multiple submitters, no conflicts (2 of 4 stars). 4 submissions from 4 submitters: Uncertain significance (4). Last evaluated 2025-07-08.

Conditions:
Nephronophthisis 15 (NPHP15). Identifiers: Orphanet 3156, MedGen C3541853, MONDO:0013917, OMIM 614845.
Inborn genetic diseases. Identifiers: MedGen C0950123, MeSH D030342.
CEP164-related disorder. Also called: CEP164-related condition.

Allele frequency attached by ClinVar (database versions not stated): TOPMed 0.00001; ESP Exome Variant Server 0.00008.

Submissions (4):

PreventionGenetics, part of Exact Sciences
Classification: Uncertain significance for CEP164-related condition. Last evaluated: 2025-07-08. Review status: criteria provided, single submitter. Criteria: ACMG Guidelines, 2015. Collection method: clinical testing. Allele origin: germline.
Comment: The CEP164 c.3707C>G variant is predicted to result in the amino acid substitution p.Ser1236Cys. To our knowledge, this variant has not been reported in the literature. This variant is reported in 0.0026% of alleles in individuals of European (Non-Finnish) descent in gnomAD. At this time, the clinical significance of this variant is uncertain due to the absence of conclusive functional and genetic evidence.

Ambry Genetics
Classification: Uncertain significance for Inborn genetic diseases. Last evaluated: 2023-12-09. Review status: criteria provided, single submitter. Criteria: Ambry Variant Classification Scheme 2023. Collection method: clinical testing. Allele origin: germline.

Labcorp Genetics (formerly Invitae), Labcorp
Classification: Uncertain significance for Nephronophthisis 15. Last evaluated: 2023-06-27. Review status: criteria provided, single submitter. Criteria: Invitae Variant Classification Sherloc (09022015). Collection method: clinical testing. Allele origin: germline.
Comment: Advanced modeling of protein sequence and biophysical properties (such as structural, functional, and spatial information, amino acid conservation, physicochemical variation, residue mobility, and thermodynamic stability) performed at Invitae indicates that this missense variant is not expected to disrupt CEP164 protein function. ClinVar contains an entry for this variant (Variation ID: 846241). This variant has not been reported in the literature in individuals affected with CEP164-related conditions. This variant is present in population databases (rs375184395, gnomAD 0.002%). This sequence change replaces serine, which is neutral and polar, with cysteine, which is neutral and slightly polar, at codon 1236 of the CEP164 protein (p.Ser1236Cys). In summary, the available evidence is currently insufficient to determine the role of this variant in disease. Therefore, it has been classified as a Variant of Uncertain Significance.

Fulgent Genetics
Classification: Uncertain significance for Nephronophthisis 15. Last evaluated: 2022-05-13. Review status: criteria provided, single submitter. Criteria: ACMG Guidelines, 2015. Collection method: clinical testing. Allele origin: unknown.